The following is an entry in ClinVar:

NM_003849.4(SUCLG1):c.70G>T (p.Ala24Ser)

Gene: SUCLG1 (succinate-CoA ligase GDP/ADP-forming subunit alpha; minus strand). Cytogenetic location: 2p11.2.
Variant type: single nucleotide variant.
Coding change: c.70G>T on transcript NM_003849.4 (MANE Select); coding-DNA position 70, G replaced by T.
Protein change: p.Ala24Ser; replaces alanine 24 with serine.
Molecular consequence: missense variant.
Genome position (GRCh38, 1-based): chr2:84,459,200, C>A on the plus strand (G>T on the coding strand, the complement: SUCLG1 is on the minus strand). VCF-style: chr2-84459200-C-A. GRCh37 (hg19) VCF-style: chr2-84686324-C-A.
Other names: short protein forms A24S.
Identifiers: ClinVar variation 1419892 (VCV001419892.8), dbSNP rs769982373, ClinGen allele CA347518497.

ClinVar aggregate classification (germline): Uncertain significance (1 of 4 stars; one submission).

Conditions:
Mitochondrial DNA depletion syndrome 9 (MTDPS9). Also called: SUCLG1-Related Mitochondrial DNA Depletion Syndrome, Encephalomyopathic Form with Methylmalonic Aciduria. Identifiers: Orphanet 17, MedGen C3151476, MONDO:0009504, OMIM 245400.

Submission:

Labcorp Genetics (formerly Invitae), Labcorp
Classification: Uncertain significance for Mitochondrial DNA depletion syndrome 9. Last evaluated: 2022-06-20. Review status: criteria provided, single submitter. Criteria: Invitae Variant Classification Sherloc (09022015). Collection method: clinical testing. Allele origin: germline.
Comment: In summary, the available evidence is currently insufficient to determine the role of this variant in disease. Therefore, it has been classified as a Variant of Uncertain Significance. Algorithms developed to predict the effect of missense changes on protein structure and function output the following: SIFT: "Tolerated"; PolyPhen-2: "Not Available"; Align-GVGD: "Class C0". The serine amino acid residue is found in multiple mammalian species, which suggests that this missense change does not adversely affect protein function. This variant has not been reported in the literature in individuals affected with SUCLG1-related conditions. This variant is not present in population databases (gnomAD no frequency). This sequence change replaces alanine, which is neutral and non-polar, with serine, which is neutral and polar, at codon 24 of the SUCLG1 protein (p.Ala24Ser).